The following is an entry in ClinVar:

ClinVar aggregate classification (germline): Uncertain significance. Review status: criteria provided, multiple submitters, no conflicts (2 of 4 stars). 2 submissions from 2 submitters: Uncertain significance (2). Last evaluated 2020-06-06.

Conditions:
Glycogen storage disease IXa1. Also called: GLYCOGEN STORAGE DISEASE VIII; GSD VIII; Glycogen storage disease 8; LIVER GLYCOGENOSIS, X-LINKED, TYPE I. Identifiers: Orphanet 264580, MedGen C3694531, MONDO:0010598, OMIM 306000.

Submissions (2):

Labcorp Genetics (formerly Invitae), Labcorp
Classification: Uncertain significance for Glycogen storage disease IXa1. Last evaluated: 2020-06-06. Review status: criteria provided, single submitter. Criteria: Invitae Variant Classification Sherloc (09022015). Collection method: clinical testing. Allele origin: germline.
Comment: In summary, the available evidence is currently insufficient to determine the role of this variant in disease. Therefore, it has been classified as a Variant of Uncertain Significance. Algorithms developed to predict the effect of missense changes on protein structure and function are either unavailable or do not agree on the potential impact of this missense change (SIFT: "Deleterious"; PolyPhen-2: "Probably Damaging"; Align-GVGD: "Class C0"). This variant has not been reported in the literature in individuals with PHKA2-related conditions. This variant is not present in population databases (ExAC no frequency). This sequence change replaces serine with leucine at codon 250 of the PHKA2 protein (p.Ser250Leu). The serine residue is highly conserved and there is a large physicochemical difference between serine and leucine.

Centre for Mendelian Genomics, University Medical Centre Ljubljana
Classification: Uncertain significance for Glycogen storage disease IXa1. Last evaluated: 2016-01-01. Review status: criteria provided, single submitter. Criteria: ACMG Guidelines, 2015. Collection method: clinical testing. Allele origin: unknown. Affected: yes.
Comment: This variant was classified as: Uncertain significance. The following ACMG criteria were applied in classifying this variant: PM2,PP3. This variant was detected in hemizygous state.

NM_000292.3(PHKA2):c.749C>T (p.Ser250Leu)

Gene: PHKA2 (phosphorylase kinase regulatory subunit alpha 2; minus strand). Cytogenetic location: Xp22.13.
Variant type: single nucleotide variant.
Coding change: c.749C>T on transcript NM_000292.3 (MANE Select); coding-DNA position 749, C replaced by T.
Protein change: p.Ser250Leu; replaces serine 250 with leucine.
Molecular consequence: missense variant.
Genome position (GRCh38, 1-based): chrX:18,941,644, G>A on the plus strand (C>T on the coding strand, the complement: PHKA2 is on the minus strand). VCF-style: chrX-18941644-G-A. GRCh37 (hg19) VCF-style: chrX-18959762-G-A.
Other names: short protein forms S250L.
Identifiers: ClinVar variation 930990 (VCV000930990.11), dbSNP rs2048489995, ClinGen allele CA412398215.